The following is an entry in ClinVar:

NM_006493.4(CLN5):c.687C>T (p.Tyr229=)

Gene: CLN5 (CLN5 lysosomal BMP synthase; plus strand). Cytogenetic location: 13q22.3.
Variant type: single nucleotide variant.
Coding change: c.687C>T on transcript NM_006493.4 (MANE Select); coding-DNA position 687, C replaced by T.
Protein change: p.Tyr229=; no amino-acid change (tyrosine 229 retained).
Molecular consequence: synonymous variant. On other transcripts: 3 prime UTR variant (1).
Genome position (GRCh38, 1-based): chr13:77,000,579, C>T. VCF-style: chr13-77000579-C-T. GRCh37 (hg19) VCF-style: chr13-77574714-C-T.
Other names: c.*136C>T (NM_001366624.2); c.834C>T (LRG_692t1).
Identifiers: ClinVar variation 377692 (VCV000377692.24), dbSNP rs778480440, ClinGen allele CA7007245.
Genomic context (GRCh38, chr13:77,000,579, plus strand): 5'-TGAGACATGGAATGTAAAAGCCAGCCCAGAAAAGGGGGCAGAGACATGGTTTGATTCCTA[C>T]GACTGTTCCAAATTTGTGTTAAGGACCTTTAACAAGTTGGCTGAATTTGGAGCAGAGTTC-3'
Protein context (NP_006484.2, residues 219-239): EKGAETWFDS[Tyr229=]DCSKFVLRTF

ClinVar aggregate classification (germline): Likely benign. Review status: criteria provided, multiple submitters, no conflicts (2 of 4 stars). 6 submissions from 6 submitters: Likely benign (6). Last evaluated 2025-11-16.

Conditions:
Inborn genetic diseases. Identifiers: MedGen C0950123, MeSH D030342.
Neuronal ceroid lipofuscinosis. Also called: Neuronal Ceroid Lipofuscinoses. Identifiers: Orphanet 216, Orphanet 79263, MedGen C0027877, MONDO:0016295. Disease mechanism: loss of function.

Allele frequency attached by ClinVar (database versions not stated): ExAC 0.00003; gnomAD 0.00003 and 0.00005; gnomAD exomes 0.00004; TOPMed 0.00006.
gnomAD v4.1: 64 of 1,613,934 alleles (0.004%); highest among the groups gnomAD compares: African/African-American, 0.0053%; no homozygotes.

Submissions (6):

Labcorp Genetics (formerly Invitae), Labcorp
Classification: Likely benign for Neuronal ceroid lipofuscinosis. Last evaluated: 2025-11-16. Review status: criteria provided, single submitter. Criteria: Invitae Variant Classification Sherloc (09022015). Collection method: clinical testing. Allele origin: germline.

CeGaT Center for Human Genetics Tuebingen
Classification: Likely benign. Last evaluated: 2025-06-01. Review status: criteria provided, single submitter. Criteria: CeGaT Center For Human Genetics Tuebingen Variant Classification Criteria Version 2. Collection method: clinical testing. Allele origin: germline. Affected: yes. Observed: 1 variant allele.
Comment: CLN5: BP4, BP7

Blueprint Genetics
Classification: Likely benign. Last evaluated: 2020-03-11. Review status: criteria provided, single submitter. Criteria: ACMG Guidelines, 2015. Collection method: clinical testing. Allele origin: germline.

Ambry Genetics
Classification: Likely benign for Inborn genetic diseases. Last evaluated: 2017-01-16. Review status: criteria provided, single submitter. Criteria: Ambry Variant Classification Scheme 2023. Collection method: clinical testing. Allele origin: germline.

GeneDx
Classification: Likely benign. Last evaluated: 2016-10-26. Review status: criteria provided, single submitter. Criteria: GeneDx Variant Classification (06012015). Collection method: clinical testing. Allele origin: germline. Affected: yes.
Comment: This variant is considered likely benign or benign based on one or more of the following criteria: it is a conservative change, it occurs at a poorly conserved position in the protein, it is predicted to be benign by multiple in silico algorithms, and/or has population frequency not consistent with disease.

Breakthrough Genomics
Classification: Likely benign. Review status: criteria provided, single submitter. Criteria: ACMG Guidelines, 2015. Collection method: not provided. Allele origin: germline. Inheritance: Autosomal recessive inheritance. Affected: yes.